The following is an entry in ClinVar:

NM_000142.5(FGFR3):c.2005C>G (p.Arg669Gly)

Gene: FGFR3 (fibroblast growth factor receptor 3; plus strand). Cytogenetic location: 4p16.3.
Variant type: single nucleotide variant.
Coding change: c.2005C>G on transcript NM_000142.5 (MANE Select); coding-DNA position 2005, C replaced by G.
Protein change: p.Arg669Gly; replaces arginine 669 with glycine.
Molecular consequence: missense variant. On other transcripts: non-coding transcript variant (1), intron variant (1).
Genome position (GRCh38, 1-based): chr4:1,806,302, C>G. VCF-style: chr4-1806302-C-G. GRCh37 (hg19) VCF-style: chr4-1808029-C-G.
Other names: c.2011C>G, p.Arg671Gly (NM_001163213.2); c.2008C>G, p.Arg670Gly (NM_001354809.2); c.1669C>G, p.Arg557Gly (NM_022965.4); c.1962+129C>G (NM_001354810.2); short protein forms R671G, R669G, R557G, R670G.
Identifiers: ClinVar variation 579912 (VCV000579912.24), dbSNP rs1490564667, ClinGen allele CA355982906.

ClinVar aggregate classification (germline): Conflicting classifications of pathogenicity. Review status: criteria provided, conflicting classifications (1 of 4 stars). 7 submissions from 7 submitters: Pathogenic (1); Likely pathogenic (2); Uncertain significance (2). 2 of the submissions do not count toward it. Last evaluated 2026-06-23.

Conditions:
FGFR3-related chondrodysplasia. Identifiers: Orphanet 93420, MedGen C5681604, MONDO:0019685.
Achondroplasia (ACH). Also called: Achondroplastic dwarfism. Identifiers: Orphanet 15, MedGen C0001080, MONDO:0007037, OMIM 100800. Disease mechanism: gain of function.
Camptodactyly-tall stature-scoliosis-hearing loss syndrome. Also called: CATSHL SYNDROME. Identifiers: Orphanet 85164, MedGen C1864852, MONDO:0012504, OMIM 610474.
Muenke syndrome (MNKES). Also called: MUENKE NONSYNDROMIC CORONAL CRANIOSYNOSTOSIS. Identifiers: Orphanet 53271, MedGen C1864436, MONDO:0011274, OMIM 602849.
Malignant tumor of urinary bladder. Also called: Bladder cancer; Urinary Bladder Neoplasms; Urinary bladder cancer. Identifiers: MedGen C0005684, MONDO:0001187, OMIM 109800.
Hypochondroplasia (HCH). Identifiers: Orphanet 429, MedGen C0410529, MONDO:0007793, OMIM 146000. Disease mechanism: gain of function.
LADD syndrome 1 (LADD1). Also called: Lacrimoauriculodentodigital syndrome 1. Identifiers: MedGen C5774323, MONDO:0100302, OMIM 149730.
Germ cell tumor of testis (TGCT). Also called: Testicular germ cell tumor; GERM CELL TUMOR, SOMATIC. Identifiers: Orphanet 363504, MedGen C1336708, MONDO:0010108, OMIM 273300.
Cervical cancer. Also called: Cervical cancer, somatic; Cancer of cervix; Cervix cancer. Identifiers: MedGen C4048328, MONDO:0002974, OMIM 603956, HP:0030079.
Colorectal cancer. Also called: Malignant Colorectal Neoplasm; Colorectal cancer, somatic. Identifiers: MedGen C0346629, MONDO:0005575, OMIM 114500.
Crouzon syndrome-acanthosis nigricans syndrome. Also called: CROUZONODERMOSKELETAL SYNDROME. Identifiers: Orphanet 93262, MedGen C2677099, MONDO:0012833, OMIM 612247.
Thanatophoric dysplasia type 1 (TD1). Also called: Thanatophoric Dysplasia Type 1 (TD Type 1); PLATYSPONDYLIC LETHAL SKELETAL DYSPLASIA, SAN DIEGO TYPE; LETHAL SHORT-LIMBED PLATYSPONDYLIC DWARFISM, SAN DIEGO TYPE. Identifiers: Orphanet 1860, Orphanet 2655, MedGen C1868678, MONDO:0008546, OMIM 187600. Disease mechanism: gain of function.
Thanatophoric dysplasia, type 2 (TD2). Also called: CLOVERLEAF SKULL WITH THANATOPHORIC DWARFISM; Thanatophoric Dysplasia Type 2 (TD Type 2); THANATOPHORIC DYSPLASIA WITH KLEEBLATTSCHAEDEL; THANATOPHORIC DYSPLASIA WITH STRAIGHT FEMURS AND CLOVERLEAF SKULL. Identifiers: Orphanet 2655, Orphanet 93274, MedGen C1300257, MONDO:0008547, OMIM 187601. Disease mechanism: gain of function.
Epidermal nevus. Also called: Nevus, epidermal, somatic; NEVUS, KERATINOCYTIC, NONEPIDERMOLYTIC. Identifiers: Orphanet 79414, MedGen C0334082, MONDO:0008093, OMIM 162900, HP:0010816.
Severe achondroplasia-developmental delay-acanthosis nigricans syndrome. Also called: Severe achondroplasia with developmental delay and acanthosis nigricans; SADDAN dysplasia. Identifiers: Orphanet 85165, MedGen C2674173, MONDO:0014658, OMIM 616482.

Allele frequency attached by ClinVar (database versions not stated): gnomAD exomes below 0.00001.
gnomAD v4.1: 5 of 1,531,168 alleles (0.00033%); highest among the groups gnomAD compares: Non-Finnish European, 0.00035%; no homozygotes.

Submissions (7):

Genomenon, Inc
Classification: Likely pathogenic for FGFR3-related chondrodysplasia. Last evaluated: 2026-06-23. Review status: criteria provided, single submitter. Criteria: Genomenon Sequence Variant Interpretation Standards - Updated. Collection method: curation. Allele origin: germline. Affected: yes.
Comment: FGFR3 p.Arg669Gly (c.2005C>G) is a missense variant that changes the amino acid at codon 669 from Arginine to Glycine. This variant has been observed in at least one proband with hypochondroplasia (PMID:37806643). At least one functional study has demonstrated a substantial alteration in protein function relative to the wild-type (PMID:26992226). It is absent or not present at a significant frequency in gnomAD. In silico models predict that this variant is possibly or probably damaging. In conclusion, we classify FGFR3 p.Arg669Gly (c.2005C>G) as a likely pathogenic variant.

Labcorp Genetics (formerly Invitae), Labcorp
Classification: Pathogenic. Last evaluated: 2026-01-18. Review status: criteria provided, single submitter. Criteria: Invitae Variant Classification Sherloc (09022015). Collection method: clinical testing. Allele origin: germline.
Comment: This sequence change replaces arginine, which is basic and polar, with glycine, which is neutral and non-polar, at codon 669 of the FGFR3 protein (p.Arg669Gly). This variant is present in population databases (no rsID available, gnomAD 0.005%). This missense change has been observed in individuals with hypochondroplasia (PMID: 15863034, 37806643; Internal data). ClinVar contains an entry for this variant (Variation ID: 579912). Invitae Evidence Modeling incorporating data from in vitro experimental studies (internal data) indicates that this missense variant is expected to disrupt FGFR3 function with a positive predictive value of 95%. Experimental studies have shown that this missense change affects FGFR3 function (PMID: 26992226). For these reasons, this variant has been classified as Pathogenic.

GeneDx
Classification: Likely pathogenic. Last evaluated: 2025-09-29. Review status: criteria provided, single submitter. Criteria: GeneDx Variant Classification Process June 2021. Collection method: clinical testing. Allele origin: germline. Affected: yes.
Comment: Observed in patients with hypochondroplasia in published literature; detailed clinical information and segregation analysis was not provided for one of the individuals (PMID: 15863034, 37806643); Not observed at significant frequency in large population cohorts (gnomAD); In silico analysis supports that this missense variant has a deleterious effect on protein structure/function; Reported to increase autophosphorylation in a study of activating cancer variants; no patient with skeletal dysplasia reported (PMID: 26992226); This variant is associated with the following publications: (PMID: 28755412, 30545934, 38411226, 30355600, 15863034, 37806643, 26992226)

Blueprint Genetics
Classification: Uncertain significance. Last evaluated: 2024-11-18. Review status: criteria provided, single submitter. Criteria: ACMG Guidelines, 2015. Collection method: clinical testing. Allele origin: germline.

Juno Genomics, Hangzhou Juno Genomics, Inc
Classification: Uncertain significance for Achondroplasia; Malignant tumor of urinary bladder; Camptodactyly-tall stature-scoliosis-hearing loss syndrome; Cervical cancer; Colorectal cancer; Crouzon syndrome-acanthosis nigricans syndrome; Hypochondroplasia; LADD syndrome 1; Muenke syndrome; Epidermal nevus; Severe achondroplasia-developmental delay-acanthosis nigricans syndrome; Germ cell tumor of testis; Thanatophoric dysplasia type 1; Thanatophoric dysplasia, type 2. Review status: criteria provided, single submitter. Criteria: ACMG Guidelines, 2015. Collection method: clinical testing. Allele origin: germline. Affected: yes.
Comment: Absent from controls (or at extremely low frequency if recessive) in Genome Aggregation Database, Exome Sequencing Project, 1000 Genomes Project, or Exome Aggregation Consortium.;Multiple lines of computational evidence support a deleterious effect on the gene or gene product (conservation, evolutionary, splicing impact, etc).;The prevalence of the variant in affected individuals is significantly increased compared to the prevalence in controls.;Well-established in vitro or in vivo functional studies supportive of a damaging effect on the gene or gene product.

Joint Genome Diagnostic Labs from Nijmegen and Maastricht, Radboudumc and MUMC+
Classification: Uncertain significance. Review status: no assertion criteria provided. Collection method: clinical testing. Allele origin: germline. Affected: yes. Study: VKGL Data-share Consensus. Not counted in ClinVar's aggregate classification.

Laboratory of Diagnostic Genome Analysis, Leiden University Medical Center (LUMC)
Classification: Uncertain significance. Review status: no assertion criteria provided. Collection method: clinical testing. Allele origin: germline. Affected: yes. Study: VKGL Data-share Consensus. Not counted in ClinVar's aggregate classification.

Literature cited by the submitters: PubMed 37682528 (cited by Genomenon, Inc); PubMed 26992226 (cited by Genomenon, Inc and Labcorp Genetics (formerly Invitae), Labcorp); PubMed 37806643 (cited by Genomenon, Inc and Labcorp Genetics (formerly Invitae), Labcorp); PubMed 15863034 (cited by Genomenon, Inc and Labcorp Genetics (formerly Invitae), Labcorp); PubMed 30355600 (cited by Genomenon, Inc); PubMed 38411226 (cited by Genomenon, Inc); PubMed 30545934 (cited by Genomenon, Inc).